The following is an entry in ClinVar:

NM_001046.3(SLC12A2):c.3132G>A (p.Thr1044=)

Gene: SLC12A2 (solute carrier family 12 member 2; plus strand). Cytogenetic location: 5q23.3.
Variant type: single nucleotide variant.
Coding change: c.3132G>A on transcript NM_001046.3 (MANE Select); coding-DNA position 3132, G replaced by A.
Protein change: p.Thr1044=; no amino-acid change (threonine 1044 retained).
Molecular consequence: synonymous variant. On other transcripts: non-coding transcript variant (1).
Genome position (GRCh38, 1-based): chr5:128,180,914, G>A. VCF-style: chr5-128180914-G-A. GRCh37 (hg19) VCF-style: chr5-127516606-G-A.
Other names: c.3084G>A, p.Thr1028= (NM_001256461.2).
Identifiers: ClinVar variation 2655678 (VCV002655678.25), dbSNP rs371244344, ClinGen allele CA3393574.

ClinVar aggregate classification (germline): Likely benign. Review status: criteria provided, multiple submitters, no conflicts (2 of 4 stars). 2 submissions from 2 submitters: Likely benign (2). Last evaluated 2025-06-25.

Allele frequency attached by ClinVar (database versions not stated): gnomAD exomes below 0.00001; TOPMed 0.00001; gnomAD 0.00002; ExAC 0.00003; ESP Exome Variant Server 0.00008.
gnomAD v4.1: 14 of 1,610,230 alleles (0.00087%); highest among the groups gnomAD compares: South Asian, 0.0033%; no homozygotes.

Submissions (2):

Labcorp Genetics (formerly Invitae), Labcorp
Classification: Likely benign. Last evaluated: 2025-06-25. Review status: criteria provided, single submitter. Criteria: Invitae Variant Classification Sherloc (09022015). Collection method: clinical testing. Allele origin: germline.

CeGaT Center for Human Genetics Tuebingen
Classification: Likely benign. Last evaluated: 2023-01-01. Review status: criteria provided, single submitter. Criteria: CeGaT Center For Human Genetics Tuebingen Variant Classification Criteria Version 2. Collection method: clinical testing. Allele origin: germline. Affected: yes. Observed: 1 variant allele.
Comment: SLC12A2: BP4, BP7